The following is an entry in ClinVar:

ClinVar aggregate classification (germline): Likely benign. Review status: criteria provided, multiple submitters, no conflicts (2 of 4 stars). 6 submissions from 3 submitters: Likely benign (6). Last evaluated 2025-10-27.

Conditions:
Congenital myopathy 18. Also called: DIHYDROPYRIDINE RECEPTOR CONGENITAL MYOPATHY; DHPR CONGENITAL MYOPATHY; Myopathy, congenital, due to dihydropyridine receptor defect. Identifiers: MedGen C5830283, MONDO:0859514, OMIM 620246.
Malignant hyperthermia, susceptibility to, 5 (MHS5). Also called: CACNA1S-Related Malignant Hyperthermia Susceptibility. Identifiers: Orphanet 423, MedGen C1866077, MONDO:0011163, OMIM 601887.
Hypokalemic periodic paralysis, type 1. Also called: Hypokalemic Periodic Paralysis Type 1 (AD); HypoPP. Identifiers: Orphanet 681, MedGen C3714580, MONDO:0042979, OMIM 170400.
Thyrotoxic periodic paralysis, susceptibility to, 1 (TTPP1). Identifiers: Orphanet 79102, MedGen C2749982, MONDO:0008570, OMIM 188580.

Allele frequency attached by ClinVar (database versions not stated): gnomAD exomes 0.00004; ExAC 0.00007.
gnomAD v4.1: 54 of 1,611,612 alleles (0.0034%); highest among the groups gnomAD compares: South Asian, 0.055%; no homozygotes.

Submissions (6):

Labcorp Genetics (formerly Invitae), Labcorp
Classification: Likely benign for Hypokalemic periodic paralysis, type 1; Malignant hyperthermia, susceptibility to, 5. Last evaluated: 2025-10-27. Review status: criteria provided, single submitter. Criteria: Invitae Variant Classification Sherloc (09022015). Collection method: clinical testing. Allele origin: germline.

CeGaT Center for Human Genetics Tuebingen
Classification: Likely benign. Last evaluated: 2025-09-01. Review status: criteria provided, single submitter. Criteria: CeGaT Center For Human Genetics Tuebingen Variant Classification Criteria Version 2. Collection method: clinical testing. Allele origin: germline. Affected: yes. Observed: 4 variant alleles.
Comment: CACNA1S: BP4

Genome-Nilou Lab
Classification: Likely benign for Malignant hyperthermia, susceptibility to, 5. Last evaluated: 2023-04-11. Review status: criteria provided, single submitter. Criteria: ACMG Guidelines, 2015. Collection method: clinical testing. Allele origin: germline. Affected: no.

Genome-Nilou Lab
Classification: Likely benign for Thyrotoxic periodic paralysis, susceptibility to, 1. Last evaluated: 2023-04-11. Review status: criteria provided, single submitter. Criteria: ACMG Guidelines, 2015. Collection method: clinical testing. Allele origin: germline. Affected: no.

Genome-Nilou Lab
Classification: Likely benign for Congenital myopathy 18. Last evaluated: 2023-04-11. Review status: criteria provided, single submitter. Criteria: ACMG Guidelines, 2015. Collection method: clinical testing. Allele origin: germline. Affected: no.

Genome-Nilou Lab
Classification: Likely benign for Hypokalemic periodic paralysis, type 1. Last evaluated: 2023-04-11. Review status: criteria provided, single submitter. Criteria: ACMG Guidelines, 2015. Collection method: clinical testing. Allele origin: germline. Affected: no.

NM_000069.3(CACNA1S):c.4669-6C>T

Gene: CACNA1S (calcium voltage-gated channel subunit alpha1 S; minus strand). Cytogenetic location: 1q32.1.
Variant type: single nucleotide variant.
Coding change: c.4669-6C>T on transcript NM_000069.3 (MANE Select); 6 bases into the intron before coding-DNA position 4669, C replaced by T.
Molecular consequence: intron variant.
Genome position (GRCh38, 1-based): chr1:201,044,462, G>A on the plus strand (C>T on the coding strand, the complement: CACNA1S is on the minus strand). VCF-style: chr1-201044462-G-A. GRCh37 (hg19) VCF-style: chr1-201013590-G-A.
Identifiers: ClinVar variation 2085048 (VCV002085048.30), dbSNP rs755360943, ClinGen allele CA083523.